The following is an entry in ClinVar:

ClinVar aggregate classification (germline): Uncertain significance. Review status: criteria provided, multiple submitters, no conflicts (2 of 4 stars). 2 submissions from 2 submitters: Uncertain significance (2). Last evaluated 2025-03-18.

Conditions:
Candidiasis, familial, 9 (CANDF9). Identifiers: Orphanet 1334, MedGen C4225324, MONDO:0014642, OMIM 616445.

Allele frequency attached by ClinVar (database versions not stated): gnomAD 0.00001; gnomAD exomes 0.00003.

Submissions (2):

Labcorp Genetics (formerly Invitae), Labcorp
Classification: Uncertain significance for Candidiasis, familial, 9. Last evaluated: 2025-03-18. Review status: criteria provided, single submitter. Criteria: Invitae Variant Classification Sherloc (09022015). Collection method: clinical testing. Allele origin: germline.
Comment: This sequence change replaces leucine, which is neutral and non-polar, with phenylalanine, which is neutral and non-polar, at codon 342 of the IL17RC protein (p.Leu342Phe). This variant is present in population databases (no rsID available, gnomAD 0.002%). This variant has not been reported in the literature in individuals affected with IL17RC-related conditions. ClinVar contains an entry for this variant (Variation ID: 2609526). An algorithm developed to predict the effect of missense changes on protein structure and function (PolyPhen-2) suggests that this variant is likely to be disruptive. In summary, the available evidence is currently insufficient to determine the role of this variant in disease. Therefore, it has been classified as a Variant of Uncertain Significance.

Ambry Genetics
Classification: Uncertain significance. Last evaluated: 2023-07-05. Review status: criteria provided, single submitter. Criteria: Ambry Variant Classification Scheme 2023. Collection method: clinical testing. Allele origin: germline.

NM_153460.4(IL17RC):c.811C>T (p.Leu271Phe)

Gene: IL17RC (interleukin 17 receptor C; plus strand). Cytogenetic location: 3p25.3.
Variant type: single nucleotide variant.
Coding change: c.811C>T on transcript NM_153460.4 (MANE Select); coding-DNA position 811, C replaced by T.
Protein change: p.Leu271Phe; replaces leucine 271 with phenylalanine.
Molecular consequence: missense variant. On other transcripts: non-coding transcript variant (1).
Genome position (GRCh38, 1-based): chr3:9,924,280, C>T. VCF-style: chr3-9924280-C-T. GRCh37 (hg19) VCF-style: chr3-9965964-C-T.
Other names: c.811C>T, p.Leu271Phe (NM_001203263.2, NM_001203264.2); c.766C>T, p.Leu256Phe (NM_001203265.2, NM_001367280.1, NM_001410711.1 and 1 more transcripts); c.772C>T, p.Leu258Phe (NM_001367278.1); c.691C>T, p.Leu231Phe (NM_001367279.1); c.1024C>T, p.Leu342Phe (NM_153461.4); short protein forms L271F, L231F, L258F, L256F, L342F.
Identifiers: ClinVar variation 2609526 (VCV002609526.4), dbSNP rs998347002, ClinGen allele CA351760011.
Genomic context (GRCh38, chr3:9,924,280, plus strand): 5'-TTTGTTCCACAGACTGGACCGCAGATCATTACCTTGAACCACACAGACCTGGTTCCCTGC[C>T]TCTGTATTCAGGTAGGAGCAGAGTCTAGCTGGGTGCCAGAAGAGGAGTGGGAAGATGATG-3'
Protein context (NP_703190.2, residues 261-281): TLNHTDLVPC[Leu271Phe]CIQVWPLEPD